The following is an entry in ClinVar:

NM_015295.3(SMCHD1):c.1718A>C (p.Gln573Pro)

Gene: SMCHD1 (structural maintenance of chromosomes flexible hinge domain containing 1; plus strand). Cytogenetic location: 18p11.32.
Variant type: single nucleotide variant.
Coding change: c.1718A>C on transcript NM_015295.3 (MANE Select); coding-DNA position 1718, A replaced by C.
Protein change: p.Gln573Pro; replaces glutamine 573 with proline.
Molecular consequence: missense variant.
Genome position (GRCh38, 1-based): chr18:2,703,762, A>C. VCF-style: chr18-2703762-A-C. GRCh37 (hg19) VCF-style: chr18-2703760-A-C.
Other names: short protein forms Q573P.
Identifiers: ClinVar variation 1523389 (VCV001523389.8), dbSNP rs2143213762, ClinGen allele CA401678280.

ClinVar aggregate classification (germline): Uncertain significance (1 of 4 stars; one submission).

Conditions:
Facioscapulohumeral muscular dystrophy 2 (FSHD2). Also called: FACIOSCAPULOHUMERAL MUSCULAR DYSTROPHY 2, DIGENIC; FSHD2, DIGENIC; MUSCULAR DYSTROPHY, FACIOSCAPULOHUMERAL, TYPE 1B. Identifiers: Orphanet 269, MedGen C1834671, MONDO:0008031, OMIM 158901.

Submission:

Labcorp Genetics (formerly Invitae), Labcorp
Classification: Uncertain significance for Facioscapulohumeral muscular dystrophy 2. Last evaluated: 2022-10-04. Review status: criteria provided, single submitter. Criteria: Invitae Variant Classification Sherloc (09022015). Collection method: clinical testing. Allele origin: germline.
Comment: In summary, the available evidence is currently insufficient to determine the role of this variant in disease. Therefore, it has been classified as a Variant of Uncertain Significance. Advanced modeling of protein sequence and biophysical properties (such as structural, functional, and spatial information, amino acid conservation, physicochemical variation, residue mobility, and thermodynamic stability) performed at Invitae indicates that this missense variant is expected to disrupt SMCHD1 protein function. ClinVar contains an entry for this variant (Variation ID: 1523389). This variant has not been reported in the literature in individuals affected with SMCHD1-related conditions. This variant is not present in population databases (gnomAD no frequency). This sequence change replaces glutamine, which is neutral and polar, with proline, which is neutral and non-polar, at codon 573 of the SMCHD1 protein (p.Gln573Pro).